The following is an entry in ClinVar:

ClinVar aggregate classification (germline): Uncertain significance (1 of 4 stars; one submission).

Submission:

GeneDx
Classification: Uncertain significance. Last evaluated: 2025-06-13. Review status: criteria provided, single submitter. Criteria: GeneDx Variant Classification Process June 2021. Collection method: clinical testing. Allele origin: germline. Affected: yes.
Comment: Not observed at significant frequency in large population cohorts (gnomAD); In silico analysis supports that this missense variant has a deleterious effect on protein structure/function; Has not been previously published as pathogenic or benign to our knowledge

NM_001134673.4(NFIA):c.297A>C (p.Lys99Asn)

Gene: NFIA (nuclear factor I A; plus strand). Cytogenetic location: 1p31.3.
Variant type: single nucleotide variant.
Coding change: c.297A>C on transcript NM_001134673.4 (MANE Select); coding-DNA position 297, A replaced by C.
Protein change: p.Lys99Asn; replaces lysine 99 with asparagine.
Molecular consequence: missense variant.
Genome position (GRCh38, 1-based): chr1:61,088,418, A>C. VCF-style: chr1-61088418-A-C. GRCh37 (hg19) VCF-style: chr1-61554090-A-C.
Other names: c.273A>C, p.Lys91Asn (NM_001145511.2); c.432A>C, p.Lys144Asn (NM_001145512.2); c.297A>C, p.Lys99Asn (NM_005595.5); short protein forms K144N, K91N, K99N.
Identifiers: ClinVar variation 4537698 (VCV004537698.1).
Genomic context (GRCh38, chr1:61,088,418, plus strand): 5'-GCGGAAAGATATCCGACCCGAATATCGAGAGGATTTTGTTCTTACAGTTACAGGGAAAAA[A>C]CCTCCATGTTGTGTTCTTTCCAACCCAGACCAGAAAGGCAAGATGCGAAGAATTGACTGC-3'
Protein context (NP_001128145.1, residues 89-109): EDFVLTVTGK[Lys99Asn]PPCCVLSNPD